The following is an entry in ClinVar:

NM_031885.5(BBS2):c.118G>T (p.Val40Phe)

Gene: BBS2 (Bardet-Biedl syndrome 2; minus strand). Cytogenetic location: 16q13.
Variant type: single nucleotide variant.
Coding change: c.118G>T on transcript NM_031885.5 (MANE Select); coding-DNA position 118, G replaced by T.
Protein change: p.Val40Phe; replaces valine 40 with phenylalanine.
Molecular consequence: missense variant. On other transcripts: non-coding transcript variant (5).
Genome position (GRCh38, 1-based): chr16:56,514,680, C>A on the plus strand (G>T on the coding strand, the complement: BBS2 is on the minus strand). VCF-style: chr16-56514680-C-A. GRCh37 (hg19) VCF-style: chr16-56548592-C-A.
Other names: c.118G>T, p.Val40Phe (NM_001377456.1); short protein forms V40F.
Identifiers: ClinVar variation 285263 (VCV000285263.19), dbSNP rs886043059, ClinGen allele CA10605056.

ClinVar aggregate classification (germline): Conflicting classifications of pathogenicity. Review status: criteria provided, conflicting classifications (1 of 4 stars). 9 submissions from 9 submitters: Likely pathogenic (6); Uncertain significance (3). Last evaluated 2026-01-08.

Conditions:
BBS2-related disorder. Also called: BBS2-related disorders; BBS2-related condition. Identifiers: MedGen CN239228.
Retinitis pigmentosa 74 (RP74). Identifiers: Orphanet 791, MedGen C4225281, MONDO:0014692, OMIM 616562.
Bardet-Biedl syndrome 2 (BBS2). Identifiers: Orphanet 110, MedGen C2936863, MONDO:0014432, OMIM 615981.
Bardet-Biedl syndrome (BBS). Identifiers: Orphanet 110, MedGen C0752166, MONDO:0015229.

Allele frequency attached by ClinVar (database versions not stated): gnomAD exomes 0.00001; gnomAD 0.00002; TOPMed 0.00002.
gnomAD v4.1: 19 of 1,609,324 alleles (0.0012%); highest among the groups gnomAD compares: African/African-American, 0.0027%; no homozygotes.

Submissions (9):

Natera, Inc.
Classification: Likely pathogenic for Bardet-Biedl syndrome type 2. Last evaluated: 2026-01-08. Review status: criteria provided, single submitter. Criteria: Natera Variant Classification Schema (03/2026). Collection method: clinical testing. Allele origin: germline.
Comment: The c.118G>T variant in BBS2 is a missense variant predicted to cause substitution of valine to phenylalanine at amino acid 40. This variant is rare in the general population with a frequency below the threshold expected for the associated phenotype(s). This variant has been observed in one or more individuals affected with the associated recessive disease, as either homozygous or compound heterozygous with a second variant (PMID: 33996183, 28559085, 38195571). Computational prediction algorithms indicate this variant is likely to affect gene or protein function. Given the available evidence, this variant is classified as Likely Pathogenic.

PreventionGenetics, part of Exact Sciences
Classification: Likely pathogenic for BBS2-related condition. Last evaluated: 2025-01-14. Review status: criteria provided, single submitter. Criteria: ACMG Guidelines, 2015. Collection method: clinical testing. Allele origin: germline.
Comment: The BBS2 c.118G>T variant is predicted to result in the amino acid substitution p.Val40Phe. This variant is absent in a large population database (gnomAD), indicating this variant is rare. Given the evidence, we interpret this variant as likely pathogenic.

Baylor Genetics
Classification: Likely pathogenic for Bardet-Biedl syndrome 2. Last evaluated: 2024-02-02. Review status: criteria provided, single submitter. Criteria: ACMG Guidelines, 2015. Collection method: clinical testing. Allele origin: unknown.

Blueprint Genetics
Classification: Likely pathogenic for BBS2-related disorders. Last evaluated: 2022-11-02. Review status: criteria provided, single submitter. Criteria: ACMG Guidelines, 2015. Collection method: clinical testing. Allele origin: germline. Affected: yes. Observed: 5 variant alleles.

Labcorp Genetics (formerly Invitae), Labcorp
Classification: Uncertain significance for Bardet-Biedl syndrome. Last evaluated: 2022-08-05. Review status: criteria provided, single submitter. Criteria: Invitae Variant Classification Sherloc (09022015). Collection method: clinical testing. Allele origin: germline.
Comment: This sequence change replaces valine, which is neutral and non-polar, with phenylalanine, which is neutral and non-polar, at codon 40 of the BBS2 protein (p.Val40Phe). This variant is not present in population databases (gnomAD no frequency). This missense change has been observed in individual(s) with Bardet-Biedl syndrome (PMID: 28559085). In at least one individual the data is consistent with being in trans (on the opposite chromosome) from a pathogenic variant. ClinVar contains an entry for this variant (Variation ID: 285263). Algorithms developed to predict the effect of missense changes on protein structure and function (SIFT, PolyPhen-2, Align-GVGD) all suggest that this variant is likely to be disruptive. Algorithms developed to predict the effect of sequence changes on RNA splicing suggest that this variant may create or strengthen a splice site. In summary, the available evidence is currently insufficient to determine the role of this variant in disease. Therefore, it has been classified as a Variant of Uncertain Significance.

3billion
Classification: Uncertain significance for Retinitis pigmentosa 74. Last evaluated: 2022-05-22. Review status: criteria provided, single submitter. Criteria: ACMG Guidelines, 2015. Collection method: clinical testing. Allele origin: germline. Affected: yes. Observed: 1 heterozygote.
Comment: The variant is not observed in the gnomAD v2.1.1 dataset. Protein truncation variants are a common disease-causing mechanism. In silico tool predictions suggest damaging effect of the variant on gene or gene product (REVEL: 0.88; 3Cnet: 3CNET). Same nucleotide change resulting in same amino acid change has been previously reported to be associated with BBS2 related disorder (ClinVar ID: VCV000285263 / PMID: 28559085). However, the evidence of pathogenicity is insufficient at this time. Therefore, this variant is classified as uncertain significanceaccording to the recommendation of ACMG/AMP guideline.

Myriad Genetics, Inc.
Classification: Uncertain significance for Bardet-Biedl syndrome 2. Last evaluated: 2021-11-03. Review status: criteria provided, single submitter. Criteria: Myriad Women's Health Autosomal Recessive and X-Linked Classification Criteria (2021). Collection method: clinical testing. Allele origin: unknown.
Comment: NM_031885.3(BBS2):c.118G>T(V40F) is a missense variant classified as a variant of uncertain significance in the context of Bardet-Biedl syndrome, BBS2-related. V40F has been observed in cases with relevant disease (PMID: 28559085). Functional assessments of this variant are not available in the literature. V40F has not been observed in population frequency databases. In summary, there is insufficient evidence to classify NM_031885.3(BBS2):c.118G>T(V40F) as pathogenic or benign. Please note: this variant was assessed in the context of healthy population screening.

Rady Children's Institute for Genomic Medicine, Rady Children's Hospital San Diego
Classification: Likely pathogenic for BARDET-BIEDL SYNDROME 2. Last evaluated: 2019-10-23. Review status: criteria provided, single submitter. Criteria: ACMG Guidelines, 2015. Collection method: clinical testing. Allele origin: germline. Affected: yes.
Comment: This variant has been previously reported as a change in patient with retinal disease (PMID: 28559085). It is absent from the ExAC and gnomAD population databases and thus is presumed to be rare. The c.118G>T (p.Val40Phe) variant affects a highly conserved amino acid and is predicted by multiple in silico tools to have a deleterious effect on protein function. Based on the available evidence, the c.118G>T (p.Val40Phe) variant is classified as Likely Pathogenic.

Eurofins Ntd Llc (ga)
Classification: Likely pathogenic. Last evaluated: 2016-03-18. Review status: criteria provided, single submitter. Criteria: EGL Classification Definitions 2015. Collection method: clinical testing. Allele origin: germline. Observed: 2 variant alleles, 2 heterozygotes.

Literature cited by the submitters: PubMed 33996183 (cited by Natera, Inc.); PubMed 28559085 (cited by 4 submitters); PubMed 38195571 (cited by Natera, Inc.).